The following is an entry in ClinVar:

NM_030777.4(SLC2A10):c.515C>T (p.Thr172Ile)

Gene: SLC2A10 (solute carrier family 2 member 10; plus strand). Cytogenetic location: 20q13.12.
Variant type: single nucleotide variant.
Coding change: c.515C>T on transcript NM_030777.4 (MANE Select); coding-DNA position 515, C replaced by T.
Protein change: p.Thr172Ile; replaces threonine 172 with isoleucine.
Molecular consequence: missense variant.
Genome position (GRCh38, 1-based): chr20:46,725,551, C>T. VCF-style: chr20-46725551-C-T. GRCh37 (hg19) VCF-style: chr20-45354190-C-T.
Other names: p.T172I:ACT>ATT; short protein forms T172I.
Identifiers: ClinVar variation 195383 (VCV000195383.72), dbSNP rs143301610, ClinGen allele CA241805.

ClinVar aggregate classification (germline): Conflicting classifications of pathogenicity. Review status: criteria provided, conflicting classifications (1 of 4 stars). 13 submissions from 13 submitters: Uncertain significance (5); Benign (2); Likely benign (6). Last evaluated 2026-08-01.

Conditions:
Familial thoracic aortic aneurysm and aortic dissection (TAAD). Also called: Thoracic aortic aneurysms and dissections. Identifiers: Orphanet 91387, MedGen C4707243, MONDO:0019625.
Arterial tortuosity syndrome (ATORS). Identifiers: Orphanet 3342, MedGen C1859726, MONDO:0008818, OMIM 208050.

Allele frequency attached by ClinVar (database versions not stated): gnomAD exomes 0.00079 and 0.00140; TOPMed 0.00080; ExAC 0.00082; gnomAD 0.00098 and 0.00100; ESP Exome Variant Server 0.00146.
gnomAD v4.1: 2,197 of 1,614,086 alleles (0.14%); highest among the groups gnomAD compares: Non-Finnish European, 0.17%; no homozygotes.

Submissions (13):

CeGaT Center for Human Genetics Tuebingen
Classification: Likely benign. Last evaluated: 2026-08-01. Review status: criteria provided, single submitter. Criteria: CeGaT Center For Human Genetics Tuebingen Variant Classification Criteria Version 2. Collection method: clinical testing. Allele origin: germline. Affected: yes. Observed: 4 variant alleles.
Comment: SLC2A10: BP4

Labcorp Genetics (formerly Invitae), Labcorp
Classification: Likely benign for Arterial tortuosity syndrome. Last evaluated: 2026-02-04. Review status: criteria provided, single submitter. Criteria: Invitae Variant Classification Sherloc (09022015). Collection method: clinical testing. Allele origin: germline.

Women's Health and Genetics/Laboratory Corporation of America, LabCorp
Classification: Likely benign. Last evaluated: 2025-10-27. Review status: criteria provided, single submitter. Criteria: LabCorp Variant Classification Summary - May 2015. Collection method: clinical testing. Allele origin: germline.
Comment: Variant summary: SLC2A10 c.515C>T (p.Thr172Ile) results in a non-conservative amino acid change located in the Major facilitator superfamily domain (IPR020846) of the encoded protein sequence. Algorithms developed to predict the effect of missense changes on protein structure and function are either unavailable or do not agree on the potential impact of this missense change. The variant allele was found at a frequency of 0.0014 in 1614086 control chromosomes, predominantly at a frequency of 0.0017 within the Non-Finnish European subpopulation in the gnomAD database. The observed variant frequency within Non-Finnish European control individuals in the gnomAD database exceeds the estimated maximal expected allele frequency for disease-causing variants in SLC2A10. The variant, c.515C>T, has been reported in the literature in an individual with aortic dilation or dissection, however, further details were not provided on this case (Wooderchak-Donahue_2015). These report(s) do not provide unequivocal conclusions about association of the variant with Arterial Tortuosity Syndrome. To our knowledge, no experimental evidence demonstrating an impact on protein function has been reported. The following publication has been ascertained in the context of this evaluation (PMID: 25944730). ClinVar contains an entry for this variant (Variation ID: 195383). Based on the evidence outlined above, the variant was classified as likely benign.

Blueprint Genetics
Classification: Likely benign. Last evaluated: 2024-11-25. Review status: criteria provided, single submitter. Criteria: ACMG Guidelines, 2015. Collection method: clinical testing. Allele origin: germline.

Mayo Clinic Laboratories, Mayo Clinic
Classification: Likely benign. Last evaluated: 2024-05-13. Review status: criteria provided, single submitter. Criteria: ACMG Guidelines, 2015. Collection method: clinical testing. Allele origin: germline. Observed: 2 variant alleles.
Comment: BS1, BP4

Center for Genomics, Ann and Robert H. Lurie Children's Hospital of Chicago
Classification: Likely benign for Arterial tortuosity syndrome. Last evaluated: 2022-10-26. Review status: criteria provided, single submitter. Criteria: ACMG Guidelines, 2015. Collection method: clinical testing. Allele origin: germline.
Comment: This variant has been reported in the literature in one individual with aortic dilation/dissection (Wooderchak-Donahue 2015 PMID:25944730). However, this variant is also present in 0.1% (174/129040) of European alleles in the Genome Aggregation Database and is present in ClinVar, with several labs classifying this variant as benign or likely benign (Variation ID:195383). This variant amino acid Isoleucine (Ile) is present in >15 species and is not well conserved among evolutionarily distant species; this suggests that this variant may not impact the protein. Additional computational prediction tools do not suggest an impact. In summary, data on this variant suggests that this variant does not cause disease, but requires further evidence. Therefore this variant is classified as likely benign.

ARUP Laboratories, Molecular Genetics and Genomics, ARUP Laboratories
Classification: Uncertain significance for Arterial tortuosity syndrome. Last evaluated: 2022-04-06. Review status: criteria provided, single submitter. Criteria: ARUP Molecular Germline Variant Investigation Process 2021. Collection method: clinical testing. Allele origin: germline.
Comment: The SLC2A10 c.515C>T; p.Thr172Ile variant (rs143301610) is reported in the literature in an individual affected with aortopathy/aortic dilation (Wooderchak-Donahue 2015), but its clinical significance was not determined. This variant is also reported in ClinVar (Variation ID: 195383) and is found in the non-Finnish European population with an allele frequency of 0.135% (174/129040 alleles) in the Genome Aggregation Database. The threonine at codon 172 is weakly conserved, and computational analyses predict that this variant is neutral (REVEL: 0.148). Due to limited information, the clinical significance of the p.Thr172Ile variant is uncertain at this time. References: Wooderchak-Donahue W et al., Clinical utility of a next generation sequencing panel assay for Marfan and Marfan-like syndromes featuring aortopathy. Am J Med Genet A. 2015 Aug;167A(8):1747-57. PMID: 25944730.

GeneDx
Classification: Uncertain significance. Last evaluated: 2021-06-17. Review status: criteria provided, single submitter. Criteria: GeneDx Variant Classification Process June 2021. Collection method: clinical testing. Allele origin: germline. Affected: yes.
Comment: In silico analysis supports that this missense variant does not alter protein structure/function; This variant is associated with the following publications: (PMID: 25944730)

CHEO Genetics Diagnostic Laboratory, Children's Hospital of Eastern Ontario
Classification: Benign for Familial thoracic aortic aneurysm and aortic dissection. Last evaluated: 2019-11-19. Review status: criteria provided, single submitter. Criteria: ACMG Guidelines, 2015. Collection method: clinical testing. Allele origin: germline. Study: Canadian Open Genetics Repository.

Illumina Laboratory Services, Illumina
Classification: Uncertain significance for Arterial tortuosity syndrome. Last evaluated: 2018-01-12. Review status: criteria provided, single submitter. Criteria: ICSL Variant Classification Criteria 13 December 2019. Collection method: clinical testing. Allele origin: germline.

Ambry Genetics
Classification: Benign for Familial thoracic aortic aneurysm and aortic dissection. Last evaluated: 2015-09-13. Review status: criteria provided, single submitter. Criteria: Ambry Variant Classification Scheme 2023. Collection method: clinical testing. Allele origin: germline.

Laboratory for Molecular Medicine, Mass General Brigham Personalized Medicine
Classification: Uncertain significance. Last evaluated: 2015-05-14. Review status: criteria provided, single submitter. Criteria: LMM Criteria. Collection method: clinical testing. Allele origin: germline. Observed: 1 variant allele.
Comment: Variant classified as Uncertain Significance - Favor Benign. The p.Thr172Ile in SLC2A10 has not been previously reported in individuals with connective tissue d isorders, but has been identified in 0.1% (8/6610) of Finnish chromosomes and 0. 1% (81/66602) of European chromosomes by the Exome Aggregation Consortium (dbSNP rs143301610). Threonine (Thr) at position 172 i s not conserved in mammals or evolutionarily distant species and several birds, reptiles, and fish carry an isoleucine (Ile) at this position, supporting that t his change may be tolerated. In summary, while the clinical significance of the p.Thr172Ile variant is uncertain, these data suggest that it is more likely to b e benign.

Eurofins Ntd Llc (ga)
Classification: Uncertain significance. Last evaluated: 2014-10-07. Review status: criteria provided, single submitter. Criteria: EGL Classification Definitions 2015. Collection method: clinical testing. Allele origin: germline. Observed: 1 variant allele, 1 heterozygote.

Literature cited by the submitters: PubMed 25944730 (cited by Women's Health and Genetics/Laboratory Corporation of America, LabCorp and Mayo Clinic Laboratories, Mayo Clinic).